The following is an entry in ClinVar:

NM_000051.4(ATM):c.7001A>G (p.Tyr2334Cys)

Genes: ATM (ATM serine/threonine kinase; plus strand), C11orf65 (chromosome 11 open reading frame 65; minus strand). Cytogenetic location: 11q22.3.
Variant type: single nucleotide variant.
Coding change: c.7001A>G on transcript NM_000051.4 (MANE Select); coding-DNA position 7001, A replaced by G.
Protein change: p.Tyr2334Cys; replaces tyrosine 2334 with cysteine.
Molecular consequence: missense variant. On other transcripts: intron variant (2).
Genome position (GRCh38, 1-based): chr11:108,327,670, A>G. VCF-style: chr11-108327670-A-G. GRCh37 (hg19) VCF-style: chr11-108198397-A-G.
Other names: c.7001A>G, p.Tyr2334Cys (NM_001351834.2); c.641-18599T>C (NM_001330368.2); c.*38+7550T>C (NM_001351110.2); short protein forms Y2334C.
Identifiers: ClinVar variation 246434 (VCV000246434.12), dbSNP rs879254258, ClinGen allele CA10584361.

ClinVar aggregate classification (germline): Uncertain significance. Review status: criteria provided, multiple submitters, no conflicts (2 of 4 stars). 3 submissions from 3 submitters: Uncertain significance (3). Last evaluated 2025-09-14.

Conditions:
Hereditary cancer-predisposing syndrome. Also called: Neoplastic Syndromes, Hereditary; Hereditary neoplastic syndrome; Tumor predisposition; Hereditary Cancer Syndrome. Identifiers: Orphanet 140162, MedGen C0027672, MeSH D009386, MONDO:0015356.
Ataxia-telangiectasia syndrome (AT). Also called: Ataxia telangiectasia (A-T); Cerebello-oculocutaneous telangiectasia; Immunodeficiency with ataxia telangiectasia; LOUIS-BAR SYNDROME; AT, COMPLEMENTATION GROUP C; ATAXIA-TELANGIECTASIA, FRESNO VARIANT. Identifiers: Orphanet 100, MedGen C0004135, MONDO:0008840, OMIM 208900.

Submissions (3):

Labcorp Genetics (formerly Invitae), Labcorp
Classification: Uncertain significance for Ataxia-telangiectasia syndrome. Last evaluated: 2025-09-14. Review status: criteria provided, single submitter. Criteria: Invitae Variant Classification Sherloc (09022015). Collection method: clinical testing. Allele origin: germline.
Comment: This sequence change replaces tyrosine, which is neutral and polar, with cysteine, which is neutral and slightly polar, at codon 2334 of the ATM protein (p.Tyr2334Cys). This variant is not present in population databases (gnomAD no frequency). This variant has not been reported in the literature in individuals affected with ATM-related conditions. ClinVar contains an entry for this variant (Variation ID: 246434). Invitae Evidence Modeling of protein sequence and biophysical properties (such as structural, functional, and spatial information, amino acid conservation, physicochemical variation, residue mobility, and thermodynamic stability) has been performed for this missense variant. However, the output from this modeling did not meet the statistical confidence thresholds required to predict the impact of this variant on ATM protein function. In summary, the available evidence is currently insufficient to determine the role of this variant in disease. Therefore, it has been classified as a Variant of Uncertain Significance.

Ambry Genetics
Classification: Uncertain significance for Hereditary cancer-predisposing syndrome. Last evaluated: 2024-10-21. Review status: criteria provided, single submitter. Criteria: Ambry Variant Classification Scheme 2023. Collection method: clinical testing. Allele origin: germline.
Comment: The p.Y2334C variant (also known as c.7001A>G), located in coding exon 47 of the ATM gene, results from an A to G substitution at nucleotide position 7001. The tyrosine at codon 2334 is replaced by cysteine, an amino acid with highly dissimilar properties. This amino acid position is conserved. In addition, the in silico prediction for this alteration is inconclusive. Based on the available evidence, the clinical significance of this variant remains unclear.

GeneDx
Classification: Uncertain significance. Last evaluated: 2016-02-24. Review status: criteria provided, single submitter. Criteria: GeneDx Variant Classification (06012015). Collection method: clinical testing. Allele origin: germline. Affected: yes.
Comment: This variant is denoted ATM c.7001A>G at the cDNA level, p.Tyr2334Cys (Y2334C) at the protein level, and results in the change of a Tyrosine to a Cysteine (TAC>TGC). This variant has not, to our knowledge, been published in the literature as pathogenic or benign. ATM Tyr2334Cys was not observed in approximately 6,500 individuals of European and African American ancestry in the NHLBI Exome Sequencing Project, suggesting it is not a common benign variant in these populations. Since Tyrosine and Cysteine differ in polarity, charge, size or other properties, this is considered a non-conservative amino acid substitution. ATM Tyr2334Cys occurs at a position that is not conserved and is located in the FAT domain (Stracker 2013, Tavtigian 2009). In silico analyses are inconsistent regarding the effect this variant may have on protein structure and function. Based on currently available evidence, it is unclear whether ATM Tyr2334Cys is a pathogenic or benign variant. We consider it to be a variant of uncertain significance.